The following is an entry in ClinVar:

ClinVar aggregate classification (germline): Uncertain significance (1 of 4 stars; one submission).

Conditions:
Primary ciliary dyskinesia. Also called: Ciliary dyskinesia. Identifiers: Orphanet 244, MedGen C0008780, MONDO:0016575, HP:0012265.

Submission:

Labcorp Genetics (formerly Invitae), Labcorp
Classification: Uncertain significance for Primary ciliary dyskinesia. Last evaluated: 2020-03-20. Review status: criteria provided, single submitter. Criteria: Invitae Variant Classification Sherloc (09022015). Collection method: clinical testing. Allele origin: germline.
Comment: Algorithms developed to predict the effect of missense changes on protein structure and function are either unavailable or do not agree on the potential impact of this missense change (SIFT: "Deleterious"; PolyPhen-2: "Benign"; Align-GVGD: "Class C0"). This sequence change replaces serine with tyrosine at codon 322 of the DNAI2 protein (p.Ser322Tyr). The serine residue is moderately conserved and there is a large physicochemical difference between serine and tyrosine. This variant is not present in population databases (ExAC no frequency). This variant has not been reported in the literature in individuals with DNAI2-related conditions. In summary, the available evidence is currently insufficient to determine the role of this variant in disease. Therefore, it has been classified as a Variant of Uncertain Significance.

NM_023036.6(DNAI2):c.965C>A (p.Ser322Tyr)

Gene: DNAI2 (dynein axonemal intermediate chain 2; plus strand). Cytogenetic location: 17q25.1.
Variant type: single nucleotide variant.
Coding change: c.965C>A on transcript NM_023036.6 (MANE Select); coding-DNA position 965, C replaced by A.
Protein change: p.Ser322Tyr; replaces serine 322 with tyrosine.
Molecular consequence: missense variant. On other transcripts: non-coding transcript variant (1).
Genome position (GRCh38, 1-based): chr17:74,301,146, C>A. VCF-style: chr17-74301146-C-A. GRCh37 (hg19) VCF-style: chr17-72297285-C-A.
Other names: c.965C>A, p.Ser322Tyr (NM_001172810.3, NM_001353167.2); short protein forms S322Y.
Identifiers: ClinVar variation 1037814 (VCV001037814.17), dbSNP rs2052738856, ClinGen allele CA400909423.
Genomic context (GRCh38, chr17:74,301,146, plus strand): 5'-AAGTTGTGATCTTGGACATCACCAAGAAGGAACAGTTGGAAAATGCCTTGGGGGCCATCT[C>A]CCTGGAGTTCGAATCTACTTTGGTGAGTGTCCCTTGCTGTCCCTTCCCCGACTTGCATTG-3'
Protein context (NP_075462.3, residues 312-332): EQLENALGAI[Ser322Tyr]LEFESTLPTK